The following is an entry in ClinVar:

NM_032634.4(PIGO):c.1907G>A (p.Gly636Glu)

Gene: PIGO (phosphatidylinositol glycan anchor biosynthesis class O; minus strand). Cytogenetic location: 9p13.3.
Variant type: single nucleotide variant.
Coding change: c.1907G>A on transcript NM_032634.4 (MANE Select); coding-DNA position 1907, G replaced by A.
Protein change: p.Gly636Glu; replaces glycine 636 with glutamic acid.
Molecular consequence: missense variant. On other transcripts: intron variant (2).
Genome position (GRCh38, 1-based): chr9:35,091,980, C>T on the plus strand (G>A on the coding strand, the complement: PIGO is on the minus strand). VCF-style: chr9-35091980-C-T. GRCh37 (hg19) VCF-style: chr9-35091977-C-T.
Other names: c.1344+563G>A (NM_152850.4, NM_001201484.2); short protein forms G636E.
Identifiers: ClinVar variation 2120630 (VCV002120630.2), dbSNP rs1829444949, ClinGen allele CA373321178.
Genomic context (GRCh38, chr9:35,091,980, plus strand): 5'-GGACTCAGCCAGGGAGAGGAGTGGCAAACAGGTGTCTCTTCAGGGCAACGATGAAAAAGC[C>T]CAGCTAGCCTTGTACATAAAAGCAACCCAATTCCAAGCCTCAGGGCATATGCACCATTGT-3'
Protein context (NP_116023.2, residues 626-646): IGLLLCTRLA[Gly636Glu]LFHRCPEETP

ClinVar aggregate classification (germline): Uncertain significance (1 of 4 stars; one submission).

Conditions:
Hyperphosphatasia with impaired intellectual development syndrome 2. Also called: Hyperphosphatasia with intellectual disability syndrome 2; GLYCOSYLPHOSPHATIDYLINOSITOL BIOSYNTHESIS DEFECT 6. Identifiers: Orphanet 247262, MedGen C3553637, MONDO:0013882, OMIM 614749.

Allele frequency attached by ClinVar (database versions not stated): gnomAD exomes below 0.00001; gnomAD 0.00001; TOPMed 0.00001.
gnomAD v4.1: 3 of 1,614,086 alleles (0.00019%); highest among the groups gnomAD compares: Admixed American, 0.0033%; no homozygotes.

Submission:

Labcorp Genetics (formerly Invitae), Labcorp
Classification: Uncertain significance for Hyperphosphatasia with impaired intellectual development syndrome 2. Last evaluated: 2025-10-27. Review status: criteria provided, single submitter. Criteria: Invitae Variant Classification Sherloc (09022015). Collection method: clinical testing. Allele origin: germline.
Comment: This sequence change replaces glycine, which is neutral and non-polar, with glutamic acid, which is acidic and polar, at codon 636 of the PIGO protein (p.Gly636Glu). This variant is not present in population databases (gnomAD no frequency). This variant has not been reported in the literature in individuals affected with PIGO-related conditions. ClinVar contains an entry for this variant (Variation ID: 2120630). Invitae Evidence Modeling of protein sequence and biophysical properties (such as structural, functional, and spatial information, amino acid conservation, physicochemical variation, residue mobility, and thermodynamic stability) indicates that this missense variant is not expected to disrupt PIGO protein function with a negative predictive value of 80%. In summary, the available evidence is currently insufficient to determine the role of this variant in disease. Therefore, it has been classified as a Variant of Uncertain Significance.